The following is an entry in ClinVar:

ClinVar aggregate classification (germline): Pathogenic (1 of 4 stars; one submission).

Submission:

Labcorp Genetics (formerly Invitae), Labcorp
Classification: Pathogenic. Last evaluated: 2024-02-23. Review status: criteria provided, single submitter. Criteria: Invitae Variant Classification Sherloc (09022015). Collection method: clinical testing. Allele origin: germline.
Comment: This sequence change creates a premature translational stop signal (p.Ser1612Leufs*6) in the EYS gene. It is expected to result in an absent or disrupted protein product. Loss-of-function variants in EYS are known to be pathogenic (PMID: 18836446, 20333770). This variant is not present in population databases (gnomAD no frequency). This variant has not been reported in the literature in individuals affected with EYS-related conditions. For these reasons, this variant has been classified as Pathogenic.

Literature cited by the submitters: PubMed 18836446; PubMed 20333770.

NM_001142800.2(EYS):c.4834del (p.Ser1612fs)

Gene: EYS (EGF-like photoreceptor maintenance factor; minus strand). Cytogenetic location: 6q12.
Variant type: Deletion.
Coding change: c.4834del on transcript NM_001142800.2 (MANE Select); coding-DNA position 4834, one base deleted (T; older notation c.4834delT).
Protein change: p.Ser1612fs; shifts the reading frame from serine 1612.
Molecular consequence: frameshift variant.
Genome position (GRCh38, 1-based): chr6:64,591,033, A deleted on the plus strand (T on the coding strand, the reverse complement: EYS is on the minus strand); the first of 4 consecutive A bases (chr6:64,591,033-64,591,036); deleting any one gives the same sequence. VCF-style (leftmost placement, unchanged base first): chr6-64591032-GA-G. GRCh37 (hg19) VCF-style: chr6-65300925-GA-G.
Other names: c.4834del, p.Ser1612fs (NM_001292009.2); short protein forms S1612fs.
Identifiers: ClinVar variation 3642748 (VCV003642748.2).
Genomic context (GRCh38, chr6:64,591,032, plus strand): 5'-GAAGGAAATAAAGATGGCACTTCTGTGAATGCCACTGATGGTGTTATTTCAGTAGCAGAA[GA>G]AAATGAATGCCCAGAAGTGATAGTTTGAGCTCCCATTAGTGCATACCAGCTGGCTAATAT-3'